The following is an entry in ClinVar:

NM_003482.4(KMT2D):c.4004C>G (p.Ser1335Cys)

Genes: KMT2D (lysine methyltransferase 2D; minus strand), LOC126861520 (CDK7 strongly-dependent group 2 enhancer GRCh37_chr12:49442744-49443943; plus strand). Cytogenetic location: 12q13.12.
Variant type: single nucleotide variant.
Coding change: c.4004C>G on transcript NM_003482.4 (MANE Select); coding-DNA position 4004, C replaced by G.
Protein change: p.Ser1335Cys; replaces serine 1335 with cysteine.
Molecular consequence: missense variant.
Genome position (GRCh38, 1-based): chr12:49,049,121, G>C on the plus strand (C>G on the coding strand, the complement: KMT2D is on the minus strand). VCF-style: chr12-49049121-G-C. GRCh37 (hg19) VCF-style: chr12-49442904-G-C.
Other names: short protein forms S1335C.
Identifiers: ClinVar variation 3708976 (VCV003708976.2).
Genomic context (GRCh38, chr12:49,049,121, plus strand): 5'-AAAGCATGGTTGGGGGATGGGAGGAATAGGAGGCATCTCCTTACTACCAGAGTCTCAATG[G>C]AAGAAGCAGTTGACTTTAGCCGGGCCCGTCCTCTACCACGTCCTCCATGGGCTCCTCCAC-3'
Protein context (NP_003473.3, residues 1325-1345): GRARLKSTAS[Ser1335Cys]IETLVVADID

ClinVar aggregate classification (germline): Uncertain significance (1 of 4 stars; one submission).

Conditions:
Kabuki syndrome. Also called: Kabuki make-up syndrome; NIIKAWA-KUROKI SYNDROME. Identifiers: Orphanet 2322, MedGen C0796004, MONDO:0016512.

gnomAD v4.1: 7 of 1,608,194 alleles (0.00044%); highest among the groups gnomAD compares: Non-Finnish European, 0.0006%; no homozygotes.

Submission:

Labcorp Genetics (formerly Invitae), Labcorp
Classification: Uncertain significance for Kabuki syndrome. Last evaluated: 2024-06-04. Review status: criteria provided, single submitter. Criteria: Invitae Variant Classification Sherloc (09022015). Collection method: clinical testing. Allele origin: germline.
Comment: This sequence change replaces serine, which is neutral and polar, with cysteine, which is neutral and slightly polar, at codon 1335 of the KMT2D protein (p.Ser1335Cys). This variant is not present in population databases (gnomAD no frequency). This variant has not been reported in the literature in individuals affected with KMT2D-related conditions. Advanced modeling of protein sequence and biophysical properties (such as structural, functional, and spatial information, amino acid conservation, physicochemical variation, residue mobility, and thermodynamic stability) performed at Invitae indicates that this missense variant is not expected to disrupt KMT2D protein function with a negative predictive value of 95%. In summary, the available evidence is currently insufficient to determine the role of this variant in disease. Therefore, it has been classified as a Variant of Uncertain Significance.